The following is an entry in ClinVar:

NM_001846.4(COL4A2):c.2758+1G>T

Gene: COL4A2 (collagen type IV alpha 2 chain; plus strand). Cytogenetic location: 13q34.
Variant type: single nucleotide variant.
Coding change: c.2758+1G>T on transcript NM_001846.4 (MANE Select); the canonical splice donor site of the intron after coding-DNA position 2758, G replaced by T.
Molecular consequence: splice donor variant.
Genome position (GRCh38, 1-based): chr13:110,480,391, G>T. VCF-style: chr13-110480391-G-T. GRCh37 (hg19) VCF-style: chr13-111132738-G-T.
Identifiers: ClinVar variation 3367644 (VCV003367644.1).

ClinVar aggregate classification (germline): Uncertain significance (1 of 4 stars; one submission).

Submission:

GeneDx
Classification: Uncertain significance. Last evaluated: 2024-01-08. Review status: criteria provided, single submitter. Criteria: GeneDx Variant Classification Process June 2021. Collection method: clinical testing. Allele origin: germline. Affected: yes.
Comment: Canonical splice site variant in a gene or region of a gene for which loss of function is not a well-established mechanism of disease; Not observed at significant frequency in large population cohorts (gnomAD); Has not been previously published as pathogenic or benign to our knowledge